The following is an entry in ClinVar:

NM_000414.4(HSD17B4):c.1132G>A (p.Gly378Arg)

Gene: HSD17B4 (hydroxysteroid 17-beta dehydrogenase 4; plus strand). Cytogenetic location: 5q23.1.
Variant type: single nucleotide variant.
Coding change: c.1132G>A on transcript NM_000414.4 (MANE Select); coding-DNA position 1132, G replaced by A.
Protein change: p.Gly378Arg; replaces glycine 378 with arginine.
Molecular consequence: missense variant.
Genome position (GRCh38, 1-based): chr5:119,499,476, G>A. VCF-style: chr5-119499476-G-A. GRCh37 (hg19) VCF-style: chr5-118835171-G-A.
Other names: c.1207G>A, p.Gly403Arg (NM_001199291.3); c.1078G>A, p.Gly360Arg (NM_001199292.2); c.1060G>A, p.Gly354Arg (NM_001292027.2); c.712G>A, p.Gly238Arg (NM_001292028.2); c.1132G>A (NM_000414.3); short protein forms G378R, G354R, G238R, G360R, G403R.
Identifiers: ClinVar variation 595157 (VCV000595157.11), dbSNP rs1006852881, ClinGen allele CA125882818.

ClinVar aggregate classification (germline): Conflicting classifications of pathogenicity. Review status: criteria provided, conflicting classifications (1 of 4 stars). 7 submissions from 7 submitters: Likely pathogenic (5); Uncertain significance (2). Last evaluated 2026-04-09.

Conditions:
HSD17B4-related disorder. Also called: HSD17B4-related condition; HSD17B4-related disorders.
Bifunctional peroxisomal enzyme deficiency (DBIF). Also called: DBP DEFICIENCY; PBFE DEFICIENCY; D-bifunctional protein deficiency. Identifiers: Orphanet 300, MedGen C0342870, MONDO:0009855, OMIM 261515. Disease mechanism: loss of function.

Allele frequency attached by ClinVar (database versions not stated): gnomAD exomes below 0.00001; TOPMed below 0.00001.
gnomAD v4.1: 6 of 1,613,758 alleles (0.00037%); highest among the groups gnomAD compares: East Asian, 0.0022%; no homozygotes.

Submissions (7):

Myriad Genetics, Inc.
Classification: Uncertain significance for Bifunctional peroxisomal enzyme deficiency. Last evaluated: 2026-04-09. Review status: criteria provided, single submitter. Criteria: Myriad Autosomal Dominant, Autosomal Recessive and X-Linked Classification Criteria (2023). Collection method: clinical testing. Allele origin: unknown.
Comment: NM_000414.3(HSD17B4):c.1132G>A(G378R) is a missense variant classified as a variant of uncertain significance in the context of HSD17B4-related disorders. G378R has been observed in cases with relevant disease (PMID: 27528516, 37291213). Relevant functional assessments of this variant are not available in the literature. G378R has been observed in referenced population frequency databases. In summary, there is insufficient evidence to classify NM_000414.3(HSD17B4):c.1132G>A(G378R) as pathogenic or benign. Please note: this variant was assessed in the context of healthy population screening.

PreventionGenetics, part of Exact Sciences
Classification: Likely pathogenic for HSD17B4-related condition. Last evaluated: 2026-02-23. Review status: criteria provided, single submitter. Criteria: ACMG Guidelines, 2015. Collection method: clinical testing. Allele origin: germline.
Comment: The HSD17B4 c.1132G>A variant is predicted to result in the amino acid substitution p.Gly378Arg. This variant has been reported in the compound heterozygous state with a confirmed de novo causative HSD17B4 variant in monozygotic twins with a complex spastic ataxia phenotype (described as p.Gly403Arg in Marelli et al. 2016. PubMed ID: 27528516) and in the homozygous state in an individual with clinical characteristics consistent with a diagnosis of D-bifunctional protein deficiency (Lunke et al. 2023. PubMed ID: 37291213). In ClinVar, this variant has conflicting interpretations of likely pathogenic, and uncertain significance (Variation ID: 595157). This variant is reported in 0.00088% of alleles in individuals of European (Non-Finnish) descent in gnomAD. This variant is interpreted as likely pathogenic.

GeneDx
Classification: Likely pathogenic. Last evaluated: 2024-07-22. Review status: criteria provided, single submitter. Criteria: GeneDx Variant Classification Process June 2021. Collection method: clinical testing. Allele origin: germline. Affected: yes.
Comment: In silico analysis supports that this missense variant has a deleterious effect on protein structure/function; Not observed at significant frequency in large population cohorts (gnomAD); In silico analysis suggests this variant may impact gene splicing. In the absence of RNA/functional studies, the actual effect of this sequence change is unknown; This variant is associated with the following publications: (PMID: 29482223, 27528516, 34234304)

Baylor Genetics
Classification: Likely pathogenic for Bifunctional peroxisomal enzyme deficiency. Last evaluated: 2023-08-28. Review status: criteria provided, single submitter. Criteria: ACMG Guidelines, 2015. Collection method: clinical testing. Allele origin: unknown.

Victorian Clinical Genetics Services, Murdoch Childrens Research Institute
Classification: Likely pathogenic for Bifunctional peroxisomal enzyme deficiency. Last evaluated: 2022-03-31. Review status: criteria provided, single submitter. Criteria: ACMG Guidelines, 2015. Collection method: clinical testing. Allele origin: germline. Inheritance: Autosomal recessive inheritance. Affected: yes.
Comment: Based on the classification scheme VCGS_Germline_v1.3.4, this variant is classified as Likely pathogenic. Following criteria are met: 0102 - Loss of function is a known mechanism of disease in this gene and is associated with D-bifunctional protein deficiency (MIM#261515) and Perrault syndrome 1 (MIM#233400). (I) 0106 - This gene is associated with autosomal recessive disease. (I) 0200 - Variant is predicted to result in a missense amino acid change from glycine to arginine. (I) 0252 - This variant is homozygous. (I) 0304 - Variant is present in gnomAD <0.01 for a recessive condition (v2: 1 heterozygote, 0 homozygotes). (SP) 0309 - An alternative amino acid change at the same position has been observed in gnomAD (v2: 1 heterozygote, 0 homozygotes). (I) 0502 - Missense variant with conflicting in silico predictions and uninformative conservation. (I) 0604 - Variant is not located in an established domain, motif, hotspot or informative constraint region. (I) 0705 - No comparable missense variants have previous evidence for pathogenicity. (I) 0803 - This variant has limited previous evidence of pathogenicity in an unrelated individual. This variant has been reported in trans with another missense variant in an individual with complex ataxia (PMID: 27528516). (SP) 0905 - No published segregation evidence has been identified for this variant. (I) 1006 - Clinically accredited laboratory assay shows abnormal function of product not specific to the gene. (SP) 1102 - Strong phenotype match for this individual. (I) Legend: (SP) - Supporting pathogenic, (I) - Information, (SB) - Supporting benign

Blueprint Genetics
Classification: Likely pathogenic for HSD17B4-related disorders. Last evaluated: 2021-06-18. Review status: criteria provided, single submitter. Criteria: ACMG Guidelines, 2015. Collection method: clinical testing. Allele origin: germline. Affected: yes. Observed: 1 variant allele.

Eurofins Ntd Llc (ga)
Classification: Uncertain significance. Last evaluated: 2017-12-13. Review status: criteria provided, single submitter. Criteria: EGL Classification Definitions 2015. Collection method: clinical testing. Allele origin: germline. Observed: 1 variant allele, 1 heterozygote.

Literature cited by the submitters: PubMed 27528516 (cited by Myriad Genetics, Inc. and Victorian Clinical Genetics Services, Murdoch Childrens Research Institute); PubMed 37291213 (cited by Myriad Genetics, Inc.).